The following is an entry in ClinVar:

NC_000015.9:g.(?_51745727)_(51914742_?)dup

Gene: DMXL2 (Dmx like 2; minus strand). Cytogenetic location: 15q21.2.
Variant type: Duplication.
Identifiers: ClinVar variation 2423932 (VCV002423932.4).

ClinVar aggregate classification (germline): Uncertain significance (1 of 4 stars; one submission).

Submission:

Labcorp Genetics (formerly Invitae), Labcorp
Classification: Uncertain significance. Last evaluated: 2022-05-04. Review status: criteria provided, single submitter. Criteria: Invitae Variant Classification Sherloc (09022015). Collection method: clinical testing. Allele origin: germline.
Comment: This variant results in a copy number gain of the genomic region encompassing exon(s) 1-40 of the DMXL2 gene. This region includes the initiator codon of the gene. This copy number gain extends beyond the assayed region for this gene and therefore may encompass additional genes. As the precise location of this event is unknown, it may be in tandem or it may be located elsewhere in the genome. This variant has not been reported in the literature in individuals affected with DMXL2-related conditions. Experimental studies and prediction algorithms are not available or were not evaluated, and the functional significance of this variant is currently unknown. In summary, the available evidence is currently insufficient to determine the role of this variant in disease. Therefore, it has been classified as a Variant of Uncertain Significance.